The following is an entry in ClinVar:

NM_001134407.3(GRIN2A):c.1751A>G (p.Tyr584Cys)

Gene: GRIN2A (glutamate ionotropic receptor NMDA type subunit 2A; minus strand). Cytogenetic location: 16p13.2.
Variant type: single nucleotide variant.
Coding change: c.1751A>G on transcript NM_001134407.3 (MANE Select); coding-DNA position 1751, A replaced by G.
Protein change: p.Tyr584Cys; replaces tyrosine 584 with cysteine.
Molecular consequence: missense variant.
Genome position (GRCh38, 1-based): chr16:9,834,131, T>C on the plus strand (A>G on the coding strand, the complement: GRIN2A is on the minus strand). VCF-style: chr16-9834131-T-C. GRCh37 (hg19) VCF-style: chr16-9927988-T-C.
Other names: c.1751A>G, p.Tyr584Cys (NM_000833.5, NM_001134408.2); short protein forms Y584C.
Identifiers: ClinVar variation 652053 (VCV000652053.8), dbSNP rs1596476519, ClinGen allele CA394799931.

ClinVar aggregate classification (germline): Uncertain significance (1 of 4 stars; one submission).

Conditions:
Landau-Kleffner syndrome (FESD). Also called: EPILEPSY, FOCAL, WITH SPEECH DISORDER AND WITH OR WITHOUT MENTAL RETARDATION; APHASIA, ACQUIRED, WITH EPILEPSY. Identifiers: Orphanet 1945, Orphanet 725, Orphanet 98818, MedGen C0282512, MONDO:0009509, OMIM 245570.

Submission:

Labcorp Genetics (formerly Invitae), Labcorp
Classification: Uncertain significance for Landau-Kleffner syndrome. Last evaluated: 2020-02-24. Review status: criteria provided, single submitter. Criteria: Invitae Variant Classification Sherloc (09022015). Collection method: clinical testing. Allele origin: germline.
Comment: This sequence change replaces tyrosine with cysteine at codon 584 of the GRIN2A protein (p.Tyr584Cys). The tyrosine residue is moderately conserved and there is a large physicochemical difference between tyrosine and cysteine. This variant is not present in population databases (ExAC no frequency). This variant has not been reported in the literature in individuals with GRIN2A-related disease. Algorithms developed to predict the effect of missense changes on protein structure and function (SIFT, PolyPhen-2, Align-GVGD) all suggest that this variant is likely to be disruptive, but these predictions have not been confirmed by published functional studies and their clinical significance is uncertain. In summary, the available evidence is currently insufficient to determine the role of this variant in disease. Therefore, it has been classified as a Variant of Uncertain Significance.